The following is an entry in ClinVar:

ClinVar aggregate classification (germline): Uncertain significance (1 of 4 stars; one submission).

Allele frequency attached by ClinVar (database versions not stated): gnomAD 0.00001; gnomAD exomes 0.00002.
gnomAD v4.1: 42 of 1,614,094 alleles (0.0026%); highest among the groups gnomAD compares: South Asian, 0.015%; no homozygotes.

Submission:

Labcorp Genetics (formerly Invitae), Labcorp
Classification: Uncertain significance. Last evaluated: 2022-02-03. Review status: criteria provided, single submitter. Criteria: Invitae Variant Classification Sherloc (09022015). Collection method: clinical testing. Allele origin: germline.
Comment: This sequence change replaces glycine, which is neutral and non-polar, with serine, which is neutral and polar, at codon 1599 of the MCM3AP protein (p.Gly1599Ser). This variant is present in population databases (rs779503397, gnomAD 0.01%). This variant has not been reported in the literature in individuals affected with MCM3AP-related conditions. Algorithms developed to predict the effect of missense changes on protein structure and function output the following: SIFT: "Tolerated"; PolyPhen-2: "Benign"; Align-GVGD: "Class C0". The serine amino acid residue is found in multiple mammalian species, which suggests that this missense change does not adversely affect protein function. In summary, the available evidence is currently insufficient to determine the role of this variant in disease. Therefore, it has been classified as a Variant of Uncertain Significance.

NM_003906.5(MCM3AP):c.4795G>A (p.Gly1599Ser)

Genes: MCM3AP (minichromosome maintenance complex component 3 associated protein; minus strand), MCM3AP-AS1 (MCM3AP antisense RNA 1; plus strand). Cytogenetic location: 21q22.3.
Variant type: single nucleotide variant.
Coding change: c.4795G>A on transcript NM_003906.5 (MANE Select); coding-DNA position 4795, G replaced by A.
Protein change: p.Gly1599Ser; replaces glycine 1599 with serine.
Molecular consequence: missense variant.
Genome position (GRCh38, 1-based): chr21:46,245,050, C>T on the plus strand (G>A on the coding strand, the complement: MCM3AP is on the minus strand). VCF-style: chr21-46245050-C-T. GRCh37 (hg19) VCF-style: chr21-47664964-C-T.
Other names: short protein forms G1599S.
Identifiers: ClinVar variation 1485000 (VCV001485000.5), dbSNP rs779503397, ClinGen allele CA10076010.